The following is an entry in ClinVar:

NM_014874.4(MFN2):c.1112C>T (p.Ala371Val)

Gene: MFN2 (mitofusin 2; plus strand). Cytogenetic location: 1p36.22.
Variant type: single nucleotide variant.
Coding change: c.1112C>T on transcript NM_014874.4 (MANE Select); coding-DNA position 1112, C replaced by T.
Protein change: p.Ala371Val; replaces alanine 371 with valine.
Molecular consequence: missense variant.
Genome position (GRCh38, 1-based): chr1:12,002,055, C>T. VCF-style: chr1-12002055-C-T. GRCh37 (hg19) VCF-style: chr1-12062112-C-T.
Other names: c.1112C>T, p.Ala371Val (NM_001127660.2); short protein forms A371V.
Identifiers: ClinVar variation 955460 (VCV000955460.11), dbSNP rs201675158, ClinGen allele CA599011.

ClinVar aggregate classification (germline): Uncertain significance. Review status: criteria provided, multiple submitters, no conflicts (2 of 4 stars). 2 submissions from 2 submitters: Uncertain significance (2). Last evaluated 2025-03-30.

Conditions:
Charcot-Marie-Tooth disease type 2. Also called: Charcot-Marie-Tooth type 2. Identifiers: Orphanet 64746, MedGen C0270914, MONDO:0018993.

Allele frequency attached by ClinVar (database versions not stated): ExAC 0.00002; gnomAD 0.00002 and 0.00003; gnomAD exomes 0.00002 and 0.00001; 1000 Genomes Project 30x 0.00016; 1000 Genomes Project 0.00020; TOPMed 0.00003.

Submissions (2):

Labcorp Genetics (formerly Invitae), Labcorp
Classification: Uncertain significance for Charcot-Marie-Tooth disease type 2. Last evaluated: 2025-03-30. Review status: criteria provided, single submitter. Criteria: Invitae Variant Classification Sherloc (09022015). Collection method: clinical testing. Allele origin: germline.
Comment: This sequence change replaces alanine, which is neutral and non-polar, with valine, which is neutral and non-polar, at codon 371 of the MFN2 protein (p.Ala371Val). This variant is present in population databases (rs201675158, gnomAD 0.006%). This variant has not been reported in the literature in individuals affected with MFN2-related conditions. ClinVar contains an entry for this variant (Variation ID: 955460). Invitae Evidence Modeling of protein sequence and biophysical properties (such as structural, functional, and spatial information, amino acid conservation, physicochemical variation, residue mobility, and thermodynamic stability) indicates that this missense variant is not expected to disrupt MFN2 protein function with a negative predictive value of 80%. In summary, the available evidence is currently insufficient to determine the role of this variant in disease. Therefore, it has been classified as a Variant of Uncertain Significance.

GeneDx
Classification: Uncertain significance. Last evaluated: 2024-07-09. Review status: criteria provided, single submitter. Criteria: GeneDx Variant Classification Process June 2021. Collection method: clinical testing. Allele origin: germline. Affected: yes.
Comment: Not observed at significant frequency in large population cohorts (gnomAD); In silico analysis indicates that this missense variant does not alter protein structure/function; Has not been previously published as pathogenic or benign to our knowledge